The following is an entry in ClinVar:

NM_000136.3(FANCC):c.1533G>C (p.Leu511=)

Genes: FANCC (FA complementation group C; minus strand), AOPEP (aminopeptidase O (putative); plus strand). Cytogenetic location: 9q22.32.
Variant type: single nucleotide variant.
Coding change: c.1533G>C on transcript NM_000136.3 (MANE Select); coding-DNA position 1533, G replaced by C.
Protein change: p.Leu511=; no amino-acid change (leucine 511 retained).
Molecular consequence: synonymous variant.
Genome position (GRCh38, 1-based): chr9:95,107,066, C>G on the plus strand (G>C on the coding strand, the complement: FANCC is on the minus strand). VCF-style: chr9-95107066-C-G. GRCh37 (hg19) VCF-style: chr9-97869348-C-G.
Other names: c.1533G>C, p.Leu511= (NM_001243743.2).
Identifiers: ClinVar variation 959681 (VCV000959681.3), dbSNP rs2071506268, ClinGen allele CA466092242.

ClinVar aggregate classification (germline): Uncertain significance (1 of 4 stars; one submission).

Conditions:
Fanconi anemia (FA). Also called: Fanconi's anemia. Identifiers: Orphanet 84, MedGen C0015625, MeSH D005199, MONDO:0019391.

Submission:

Labcorp Genetics (formerly Invitae), Labcorp
Classification: Uncertain significance for Fanconi anemia. Last evaluated: 2022-01-07. Review status: criteria provided, single submitter. Criteria: Invitae Variant Classification Sherloc (09022015). Collection method: clinical testing. Allele origin: germline.
Comment: This sequence change affects codon 511 of the FANCC mRNA. It is a 'silent' change, meaning that it does not change the encoded amino acid sequence of the FANCC protein. This variant also falls at the last nucleotide of exon 14, which is part of the consensus splice site for this exon. This variant is not present in population databases (gnomAD no frequency). This variant has not been reported in the literature in individuals affected with FANCC-related conditions. ClinVar contains an entry for this variant (Variation ID: 959681). Variants that disrupt the consensus splice site are a relatively common cause of aberrant splicing (PMID: 17576681, 9536098). Algorithms developed to predict the effect of sequence changes on RNA splicing suggest that this variant is not likely to affect RNA splicing. In summary, the available evidence is currently insufficient to determine the role of this variant in disease. Therefore, it has been classified as a Variant of Uncertain Significance.

Literature cited by the submitters: PubMed 17576681; PubMed 9536098.